The following is an entry in ClinVar:

ClinVar aggregate classification (germline): Uncertain significance. Review status: criteria provided, multiple submitters, no conflicts (2 of 4 stars). 2 submissions from 2 submitters: Uncertain significance (2). Last evaluated 2025-09-08.

Conditions:
Paget disease of bone 2, early-onset (PDB2). Also called: Paget disease of bone 2. Identifiers: MedGen C4085251, MONDO:0011183, OMIM 602080.
Frontotemporal dementia and/or amyotrophic lateral sclerosis 1 (FTDALS1). Also called: Frontotemporal dementia with motor neuron disease 1; C9orf72 Frontotemporal Dementia and/or Amyotrophic Lateral Sclerosis. Identifiers: Orphanet 275872, MedGen C5779877, MONDO:0007105, OMIM 105550.
Amyotrophic lateral sclerosis (ALS). Also called: Lou Gehrig disease; Charcot disease. Identifiers: Orphanet 803, MedGen C0002736, MONDO:0004976, HP:0007354.

Allele frequency attached by ClinVar (database versions not stated): TOPMed below 0.00001; ExAC 0.00001; gnomAD 0.00002 and 0.00003; gnomAD exomes 0.00002.

Submissions (2):

Labcorp Genetics (formerly Invitae), Labcorp
Classification: Uncertain significance for Paget disease of bone 2, early-onset; Frontotemporal dementia and/or amyotrophic lateral sclerosis 1. Last evaluated: 2025-09-08. Review status: criteria provided, single submitter. Criteria: Invitae Variant Classification Sherloc (09022015). Collection method: clinical testing. Allele origin: germline.
Comment: This sequence change replaces glycine, which is neutral and non-polar, with arginine, which is basic and polar, at codon 191 of the SQSTM1 protein (p.Gly191Arg). This variant is present in population databases (rs781478225, gnomAD 0.007%). This missense change has been observed in individual(s) with amyotrophic lateral sclerosis (PMID: 32579787). This variant is also known as c.319G>A, p.Gly107Arg. ClinVar contains an entry for this variant (Variation ID: 639243). Invitae Evidence Modeling of protein sequence and biophysical properties (such as structural, functional, and spatial information, amino acid conservation, physicochemical variation, residue mobility, and thermodynamic stability) indicates that this missense variant is not expected to disrupt SQSTM1 protein function with a negative predictive value of 80%. In summary, the available evidence is currently insufficient to determine the role of this variant in disease. Therefore, it has been classified as a Variant of Uncertain Significance.

Suna and Inan Kirac Foundation Neurodegeneration Research Laboratory, Koc University
Classification: Uncertain significance for Amyotrophic lateral sclerosis. Last evaluated: 2020-03-31. Review status: criteria provided, single submitter. Criteria: ACMG Guidelines, 2015. Collection method: research. Allele origin: germline. Affected: yes. Observed: 1 variant allele.

Literature cited by the submitters: PubMed 32579787 (cited by Labcorp Genetics (formerly Invitae), Labcorp).

NM_003900.5(SQSTM1):c.571G>A (p.Gly191Arg)

Gene: SQSTM1 (sequestosome 1; plus strand). Cytogenetic location: 5q35.3.
Variant type: single nucleotide variant.
Coding change: c.571G>A on transcript NM_003900.5 (MANE Select); coding-DNA position 571, G replaced by A.
Protein change: p.Gly191Arg; replaces glycine 191 with arginine.
Molecular consequence: missense variant.
Genome position (GRCh38, 1-based): chr5:179,824,221, G>A. VCF-style: chr5-179824221-G-A. GRCh37 (hg19) VCF-style: chr5-179251221-G-A.
Other names: c.319G>A, p.Gly107Arg (NM_001142298.2, NM_001142299.2); short protein forms G191R, G107R.
Identifiers: ClinVar variation 639243 (VCV000639243.7), dbSNP rs781478225, ClinGen allele CA3600571.